The following is an entry in ClinVar:

NM_001374828.1(ARID1B):c.5374_5375delinsAG (p.Ala1792Ser)

Gene: ARID1B (AT-rich interaction domain 1B; plus strand). Cytogenetic location: 6q25.3.
Variant type: Indel.
Coding change: c.5374_5375delinsAG on transcript NM_001374828.1 (MANE Select); coding-DNA positions 5374 to 5375, GC replaced by AG.
Protein change: p.Ala1792Ser; replaces alanine 1792 with serine.
Molecular consequence: missense variant.
Genome position (GRCh38, 1-based): chr6:157,203,976-157,203,977, GC replaced by AG. VCF-style: chr6-157203976-GC-AG. GRCh37 (hg19) VCF-style: chr6-157525110-GC-AG.
Other names: c.5125_5126delGCinsAG, p.Ala1709Ser (NM_001346813.1); c.2875_2876delinsAG, p.Ala959Ser (NM_001363725.2); c.5254_5255delinsAG, p.Ala1752Ser (NM_001371656.1, NM_001374820.1); c.5215_5216delinsAG, p.Ala1739Ser (NM_017519.3); c.5005_5006delGCinsAG, p.Ala1669Ser (NM_020732.3); c.4792_4793delGCinsAG, p.Ala1598Ser (NM_175863.2); short protein forms A1598S, A1709S, A1792S, A1669S, A1739S, A1752S, A959S.
Identifiers: ClinVar variation 2898946 (VCV002898946.3), dbSNP rs2538727429, ClinGen allele CA2739266209.

ClinVar aggregate classification (germline): Uncertain significance (1 of 4 stars; one submission).

Submission:

Labcorp Genetics (formerly Invitae), Labcorp
Classification: Uncertain significance. Last evaluated: 2023-05-11. Review status: criteria provided, single submitter. Criteria: Invitae Variant Classification Sherloc (09022015). Collection method: clinical testing. Allele origin: germline.
Comment: In summary, the available evidence is currently insufficient to determine the role of this variant in disease. Therefore, it has been classified as a Variant of Uncertain Significance. An algorithm developed to predict the effect of missense changes on protein structure and function (PolyPhen-2) suggests that this variant is likely to be tolerated. This variant has not been reported in the literature in individuals affected with ARID1B-related conditions. Information on the frequency of this variant in the gnomAD database is not available, as this variant may be reported differently in the database. This sequence change replaces alanine, which is neutral and non-polar, with serine, which is neutral and polar, at codon 1669 of the ARID1B protein (p.Ala1669Ser).